The following is an entry in ClinVar:

ClinVar aggregate classification (germline): Uncertain significance. Review status: criteria provided, multiple submitters, no conflicts (2 of 4 stars). 3 submissions from 3 submitters: Uncertain significance (3). Last evaluated 2025-08-01.

Conditions:
Hereditary cancer-predisposing syndrome. Also called: Neoplastic Syndromes, Hereditary; Tumor predisposition; Hereditary neoplastic syndrome; Hereditary Cancer Syndrome. Identifiers: Orphanet 140162, MedGen C0027672, MeSH D009386, MONDO:0015356.
Intellectual disability, autosomal dominant 16 (CSS4). Also called: COFFIN-SIRIS SYNDROME 4. Identifiers: Orphanet 1465, MedGen C3553249, MONDO:0013821, OMIM 614609.
Rhabdoid tumor predisposition syndrome 2 (RTPS2). Identifiers: Orphanet 231108, Orphanet 69077, MedGen C2750074, MONDO:0013224, OMIM 613325.

Submissions (3):

Ambry Genetics
Classification: Uncertain significance for Hereditary cancer-predisposing syndrome. Last evaluated: 2025-08-01. Review status: criteria provided, single submitter. Criteria: Ambry Variant Classification Scheme 2023. Collection method: clinical testing. Allele origin: germline.
Comment: The p.K1655R variant (also known as c.4964A>G), located in coding exon 34 of the SMARCA4 gene, results from an A to G substitution at nucleotide position 4964. The lysine at codon 1655 is replaced by arginine, an amino acid with highly similar properties. This amino acid position is highly conserved in available vertebrate species. In addition, this alteration is predicted to be tolerated by in silico analysis. Since supporting evidence is limited at this time, the clinical significance of this alteration remains unclear.

Labcorp Genetics (formerly Invitae), Labcorp
Classification: Uncertain significance for Rhabdoid tumor predisposition syndrome 2. Last evaluated: 2022-01-31. Review status: criteria provided, single submitter. Criteria: Invitae Variant Classification Sherloc (09022015). Collection method: clinical testing. Allele origin: germline.
Comment: This sequence change replaces lysine, which is basic and polar, with arginine, which is basic and polar, at codon 1655 of the SMARCA4 protein (p.Lys1655Arg). In summary, the available evidence is currently insufficient to determine the role of this variant in disease. Therefore, it has been classified as a Variant of Uncertain Significance. Algorithms developed to predict the effect of missense changes on protein structure and function (SIFT, PolyPhen-2, Align-GVGD) all suggest that this variant is likely to be disruptive. ClinVar contains an entry for this variant (Variation ID: 825328). This variant has not been reported in the literature in individuals affected with SMARCA4-related conditions. This variant is not present in population databases (gnomAD no frequency).

Genome-Nilou Lab
Classification: Uncertain significance for Intellectual disability, autosomal dominant 16. Last evaluated: 2021-07-15. Review status: criteria provided, single submitter. Criteria: ACMG Guidelines, 2015. Collection method: clinical testing. Allele origin: germline. Affected: no.

NM_003072.5(SMARCA4):c.4868A>G (p.Lys1623Arg)

Gene: SMARCA4 (SWI/SNF related BAF chromatin remodeling complex subunit ATPase 4; plus strand). Cytogenetic location: 19p13.2.
Variant type: single nucleotide variant.
Coding change: c.4868A>G on transcript NM_003072.5 (MANE Select); coding-DNA position 4868, A replaced by G.
Protein change: p.Lys1623Arg; replaces lysine 1623 with arginine.
Molecular consequence: missense variant. On other transcripts: non-coding transcript variant (1).
Genome position (GRCh38, 1-based): chr19:11,060,144, A>G. VCF-style: chr19-11060144-A-G. GRCh37 (hg19) VCF-style: chr19-11170820-A-G.
Other names: c.4868A>G, p.Lys1623Arg (NM_001128844.3); c.4778A>G, p.Lys1593Arg (NM_001128845.2); c.4775A>G, p.Lys1592Arg (NM_001128846.2); c.4769A>G, p.Lys1590Arg (NM_001128847.4, NM_001374457.1); c.4766A>G, p.Lys1589Arg (NM_001128848.2); c.4964A>G, p.Lys1655Arg (NM_001128849.3); short protein forms K1623R, K1590R, K1592R, K1655R, K1589R, K1593R.
Identifiers: ClinVar variation 825328 (VCV000825328.17), dbSNP rs1600649183, ClinGen allele CA404080803.